The following is an entry in ClinVar:

ClinVar aggregate classification (germline): Uncertain significance. Review status: criteria provided, multiple submitters, no conflicts (2 of 4 stars). 2 submissions from 2 submitters: Uncertain significance (2). Last evaluated 2022-06-08.

Conditions:
Epilepsy, familial focal, with variable foci 3 (FFEVF3). Identifiers: MedGen C4310708, MONDO:0014925, OMIM 617118.

Allele frequency attached by ClinVar (database versions not stated): TOPMed below 0.00001; gnomAD exomes 0.00001.
gnomAD v4.1: 12 of 1,613,614 alleles (0.00074%); highest among the groups gnomAD compares: East Asian, 0.013%; no homozygotes.

Submissions (2):

Labcorp Genetics (formerly Invitae), Labcorp
Classification: Uncertain significance for Epilepsy, familial focal, with variable foci 3. Last evaluated: 2022-06-08. Review status: criteria provided, single submitter. Criteria: Invitae Variant Classification Sherloc (09022015). Collection method: clinical testing. Allele origin: germline.
Comment: In summary, the available evidence is currently insufficient to determine the role of this variant in disease. Therefore, it has been classified as a Variant of Uncertain Significance. Experimental studies and prediction algorithms are not available or were not evaluated, and the functional significance of this variant is currently unknown. ClinVar contains an entry for this variant (Variation ID: 1303627). This variant has not been reported in the literature in individuals affected with NPRL3-related conditions. This variant is not present in population databases (gnomAD no frequency). This sequence change replaces threonine, which is neutral and polar, with alanine, which is neutral and non-polar, at codon 98 of the NPRL3 protein (p.Thr98Ala).

GeneDx
Classification: Uncertain significance. Last evaluated: 2022-06-03. Review status: criteria provided, single submitter. Criteria: GeneDx Variant Classification Process June 2021. Collection method: clinical testing. Allele origin: germline. Affected: yes.
Comment: Not observed in large population cohorts (gnomAD); In silico analysis supports that this missense variant has a deleterious effect on protein structure/function; Has not been previously published as pathogenic or benign to our knowledge

NM_001077350.3(NPRL3):c.292A>G (p.Thr98Ala)

Genes: HBA-LCR (alpha-globin locus control region; plus strand), NPRL3 (NPR3 like, GATOR1 complex subunit; minus strand). Cytogenetic location: 16p13.3.
Variant type: single nucleotide variant.
Coding change: c.292A>G on transcript NM_001077350.3 (MANE Select); coding-DNA position 292, A replaced by G.
Protein change: p.Thr98Ala; replaces threonine 98 with alanine.
Molecular consequence: missense variant. On other transcripts: intron variant (1).
Genome position (GRCh38, 1-based): chr16:119,152, T>C on the plus strand (A>G on the coding strand, the complement: NPRL3 is on the minus strand). VCF-style: chr16-119152-T-C. GRCh37 (hg19) VCF-style: chr16-169151-T-C.
Other names: c.58A>G, p.Thr20Ala (NM_001243247.2); c.292A>G, p.Thr98Ala (NM_001243248.2, NM_001243249.2); c.-144-6377A>G (NM_001039476.3); short protein forms T20A, T98A.
Identifiers: ClinVar variation 1303627 (VCV001303627.7), dbSNP rs1900178756, ClinGen allele CA393995247.